The following is an entry in ClinVar:

NM_145290.4(ADGRA3):c.1559G>T (p.Arg520Leu)

Gene: ADGRA3 (adhesion G protein-coupled receptor A3; minus strand). Cytogenetic location: 4p15.2.
Variant type: single nucleotide variant.
Coding change: c.1559G>T on transcript NM_145290.4 (MANE Select); coding-DNA position 1559, G replaced by T.
Protein change: p.Arg520Leu; replaces arginine 520 with leucine.
Molecular consequence: missense variant.
Genome position (GRCh38, 1-based): chr4:22,424,237, C>A on the plus strand (G>T on the coding strand, the complement: ADGRA3 is on the minus strand). VCF-style: chr4-22424237-C-A. GRCh37 (hg19) VCF-style: chr4-22425860-C-A.
Other names: short protein forms R520L.
Identifiers: ClinVar variation 1345255 (VCV001345255.8), dbSNP rs372207735, ClinGen allele CA356481398.
Genomic context (GRCh38, chr4:22,424,237, plus strand): 5'-AATGTTACACTTACTGTTGAATAAACGTGAGCTCCACCGGCTAGCCGGTAGGTAGCAATG[C>A]GCTGAAGACACTGCACAATCCTACTGCAGGCTTTAGCTTCCCTCTGCGCCAGCCACAGGA-3'
Protein context (NP_660333.2, residues 510-530): ACSRIVQCLQ[Arg520Leu]IATYRLAGGA

ClinVar aggregate classification (germline): Uncertain significance (1 of 4 stars; one submission).

gnomAD v4.1: 7 of 1,613,068 alleles (0.00043%); highest among the groups gnomAD compares: South Asian, 0.0022%; no homozygotes.

Submission:

Labcorp Genetics (formerly Invitae), Labcorp
Classification: Uncertain significance. Last evaluated: 2021-04-14. Review status: criteria provided, single submitter. Criteria: Invitae Variant Classification Sherloc (09022015). Collection method: clinical testing. Allele origin: germline.
Comment: In summary, the available evidence is currently insufficient to determine the role of this variant in disease. Therefore, it has been classified as a Variant of Uncertain Significance. Algorithms developed to predict the effect of missense changes on protein structure and function (SIFT, PolyPhen-2, Align-GVGD) all suggest that this variant is likely to be tolerated, but these predictions have not been confirmed by published functional studies and their clinical significance is uncertain. This variant has not been reported in the literature in individuals with ADGRA3-related conditions. This variant is not present in population databases (ExAC no frequency). This sequence change replaces arginine with leucine at codon 520 of the ADGRA3 protein (p.Arg520Leu). The arginine residue is moderately conserved and there is a moderate physicochemical difference between arginine and leucine.